The following is an entry in ClinVar:

ClinVar aggregate classification (germline): Uncertain significance. Review status: criteria provided, multiple submitters, no conflicts (2 of 4 stars). 3 submissions from 3 submitters: Uncertain significance (3). Last evaluated 2025-07-15.

Conditions:
Sessile serrated polyposis cancer syndrome (SSPCS). Identifiers: Orphanet 157798, MedGen C4310714, MONDO:0014919, OMIM 617108.

Allele frequency attached by ClinVar (database versions not stated): gnomAD exomes 0.00001; TOPMed 0.00001.
gnomAD v4.1: 13 of 1,614,156 alleles (0.00081%); highest among the groups gnomAD compares: Non-Finnish European, 0.0011%; no homozygotes.

Submissions (3):

Ambry Genetics
Classification: Uncertain significance. Last evaluated: 2025-07-15. Review status: criteria provided, single submitter. Criteria: Ambry Variant Classification Scheme 2023. Collection method: clinical testing. Allele origin: germline.

Baylor Genetics
Classification: Uncertain significance for Sessile serrated polyposis cancer syndrome. Last evaluated: 2023-09-08. Review status: criteria provided, single submitter. Criteria: ACMG Guidelines, 2015. Collection method: clinical testing. Allele origin: unknown.

Labcorp Genetics (formerly Invitae), Labcorp
Classification: Uncertain significance. Last evaluated: 2023-06-29. Review status: criteria provided, single submitter. Criteria: Invitae Variant Classification Sherloc (09022015). Collection method: clinical testing. Allele origin: germline.
Comment: This sequence change replaces phenylalanine, which is neutral and non-polar, with leucine, which is neutral and non-polar, at codon 497 of the RNF43 protein (p.Phe497Leu). This variant is not present in population databases (gnomAD no frequency). This variant has not been reported in the literature in individuals affected with RNF43-related conditions. ClinVar contains an entry for this variant (Variation ID: 848197). An algorithm developed to predict the effect of missense changes on protein structure and function (PolyPhen-2) suggests that this variant is likely to be disruptive. In summary, the available evidence is currently insufficient to determine the role of this variant in disease. Therefore, it has been classified as a Variant of Uncertain Significance.

NM_017763.6(RNF43):c.1491C>A (p.Phe497Leu)

Gene: RNF43 (ring finger protein 43; minus strand). Cytogenetic location: 17q22.
Variant type: single nucleotide variant.
Coding change: c.1491C>A on transcript NM_017763.6 (MANE Select); coding-DNA position 1491, C replaced by A.
Protein change: p.Phe497Leu; replaces phenylalanine 497 with leucine.
Molecular consequence: missense variant.
Genome position (GRCh38, 1-based): chr17:58,358,285, G>T on the plus strand (C>A on the coding strand, the complement: RNF43 is on the minus strand). VCF-style: chr17-58358285-G-T. GRCh37 (hg19) VCF-style: chr17-56435646-G-T.
Other names: c.1491C>A (NM_017763.4); c.1491C>A, p.Phe497Leu (NM_001305544.3); c.1110C>A, p.Phe370Leu (NM_001305545.2); short protein forms F370L, F497L.
Identifiers: ClinVar variation 848197 (VCV000848197.12), dbSNP rs895521963, ClinGen allele CA292012520.